The following is an entry in ClinVar:

ClinVar aggregate classification (germline): Conflicting classifications of pathogenicity. Review status: criteria provided, conflicting classifications (1 of 4 stars). 6 submissions from 6 submitters: Uncertain significance (4); Benign (2). Last evaluated 2025-10-09.

Conditions:
NDUFS2-related disorder. Also called: NDUFS2-related condition.
Mitochondrial complex I deficiency, nuclear type 1. Also called: NADH-COENZYME Q REDUCTASE DEFICIENCY; MITOCHONDRIAL NADH DEHYDROGENASE COMPONENT OF COMPLEX I, DEFICIENCY OF. Identifiers: MedGen C6022305, MONDO:0100224, OMIM 252010.

Allele frequency attached by ClinVar (database versions not stated): gnomAD exomes 0.00070; ExAC 0.00081; 1000 Genomes Project 0.00160; 1000 Genomes Project 30x 0.00172; ESP Exome Variant Server 0.00231; gnomAD 0.00247 and 0.00265; TOPMed 0.00304.
gnomAD v4.1: 763 of 1,614,002 alleles (0.047%); highest among the groups gnomAD compares: African/African-American, 0.9%; 4 homozygotes.

Submissions (8):

Labcorp Genetics (formerly Invitae), Labcorp
Classification: Benign. Last evaluated: 2025-10-09. Review status: criteria provided, single submitter. Criteria: Invitae Variant Classification Sherloc (09022015). Collection method: clinical testing. Allele origin: germline.

Mayo Clinic Laboratories, Mayo Clinic
Classification: Uncertain significance. Last evaluated: 2025-06-26. Review status: criteria provided, single submitter. Criteria: ACMG Guidelines, 2015. Collection method: clinical testing. Allele origin: germline. Observed: 3 variant alleles.
Comment: BA1

PreventionGenetics, part of Exact Sciences
Classification: Benign for NDUFS2-related condition. Last evaluated: 2025-01-11. Review status: criteria provided, single submitter. Criteria: ACMG Guidelines, 2015. Collection method: clinical testing. Allele origin: germline.
Comment: This variant is classified as benign based on ACMG/AMP sequence variant interpretation guidelines (Richards et al. 2015 PMID: 25741868, with internal and published modifications).

GeneDx
Classification: Uncertain significance. Last evaluated: 2022-10-24. Review status: criteria provided, single submitter. Criteria: GeneDx Variant Classification Process June 2021. Collection method: clinical testing. Allele origin: germline. Affected: yes.
Comment: Has not been previously published as pathogenic or benign to our knowledge; In silico analysis suggests this variant may impact gene splicing. In the absence of RNA/functional studies, the actual effect of this sequence change is unknown.

Baylor Genetics
Classification: Uncertain significance for Mitochondrial complex I deficiency, nuclear type 1. Last evaluated: 2020-03-08. Review status: criteria provided, single submitter. Criteria: ACMG Guidelines, 2015. Collection method: clinical testing. Allele origin: unknown. Affected: yes.
Comment: This variant was determined to be of uncertain significance according to ACMG Guidelines, 2015 [PMID:25741868].

Illumina Laboratory Services, Illumina
Classification: Uncertain significance for Mitochondrial complex I deficiency, nuclear type 1. Last evaluated: 2018-01-12. Review status: criteria provided, single submitter. Criteria: ICSL Variant Classification Criteria 13 December 2019. Collection method: clinical testing. Allele origin: germline.

Dr. Peter K. Rogan Lab, Western University
No classification provided (evidence only). Condition: Familial cancer of breast. Review status: no classification provided. Collection method: in vitro. Allele origin: not applicable. Functional consequence: retained intron. Not counted in ClinVar's aggregate classification.

Dr. Peter K. Rogan Lab, Western University
No classification provided (evidence only). Condition: Uterine corpus endometrial carcinoma. Review status: no classification provided. Collection method: in vitro. Allele origin: not applicable. Functional consequence: retained intron. Not counted in ClinVar's aggregate classification.

NM_001377299.1(NDUFS2):c.1355-4C>G

Gene: NDUFS2 (NADH:ubiquinone oxidoreductase core subunit S2; plus strand). Cytogenetic location: 1q23.3.
Variant type: single nucleotide variant.
Coding change: c.1355-4C>G on transcript NM_001377299.1 (MANE Select); 4 bases into the intron before coding-DNA position 1355, C replaced by G.
Molecular consequence: intron variant. On other transcripts: 3 prime UTR variant (3), non-coding transcript variant (1).
Genome position (GRCh38, 1-based): chr1:161,214,152, C>G. VCF-style: chr1-161214152-C-G. GRCh37 (hg19) VCF-style: chr1-161183942-C-G.
Other names: p.?; c.*211C>G (NM_001166159.2, NM_001377300.1, NM_001377301.1); c.1355-4C>G (NM_001377298.1, NM_004550.5); c.*6-4C>G (NM_001377302.1).
Identifiers: ClinVar variation 378254 (VCV000378254.20), dbSNP rs147235167, ClinGen allele CA1208875.
Genomic context (GRCh38, chr1:161,214,152, plus strand): 5'-GTTTGTTTTGCCTCACAACAGGAAGATAAGTAACATCACTTTTTTCCTCCATCCTCTCAC[C>G]TAGGTACCCAAGATATTGTATTTGGAGAAGTAGATCGGTGAGCAGGGGAGCAGCGTTTGA-3'